The following is an entry in ClinVar:

NM_000361.3(THBD):c.1117A>T (p.Asn373Tyr)

Gene: THBD (thrombomodulin; minus strand). Cytogenetic location: 20p11.21.
Variant type: single nucleotide variant.
Coding change: c.1117A>T on transcript NM_000361.3 (MANE Select); coding-DNA position 1117, A replaced by T.
Protein change: p.Asn373Tyr; replaces asparagine 373 with tyrosine.
Molecular consequence: missense variant.
Genome position (GRCh38, 1-based): chr20:23,048,388, T>A on the plus strand (A>T on the coding strand, the complement: THBD is on the minus strand). VCF-style: chr20-23048388-T-A. GRCh37 (hg19) VCF-style: chr20-23029025-T-A.
Other names: short protein forms N373Y.
Identifiers: ClinVar variation 1163747 (VCV001163747.12), dbSNP rs149399493, ClinGen allele CA9787618.
Genomic context (GRCh38, chr20:23,048,388, plus strand): 5'-CCTCGGCGCAGACGCAGAGGTAGCTAGTTTGGTTCAGGGGCTGGCACTGGTACTCGCAGT[T>A]GGCTCTGAAGCACGGGTCCACGGGCTCCACACACTCGCCGTCCACCAGGTCGTAGTTAGG-3'
Protein context (NP_000352.1, residues 363-383): VEPVDPCFRA[Asn373Tyr]CEYQCQPLNQ

ClinVar aggregate classification (germline): Uncertain significance. Review status: criteria provided, multiple submitters, no conflicts (2 of 4 stars). 3 submissions from 3 submitters: Uncertain significance (3). Last evaluated 2026-05-13.

Conditions:
THBD-related disorder. Also called: THBD-related condition.

Allele frequency attached by ClinVar (database versions not stated): gnomAD exomes below 0.00001 and 0.00002; ExAC 0.00002; gnomAD 0.00004; TOPMed 0.00006; ESP Exome Variant Server 0.00015.

Submissions (3):

PreventionGenetics, part of Exact Sciences
Classification: Uncertain significance for THBD-related condition. Last evaluated: 2026-05-13. Review status: criteria provided, single submitter. Criteria: ACMG Guidelines, 2015. Collection method: clinical testing. Allele origin: germline.
Comment: The THBD c.1117A>T variant is predicted to result in the amino acid substitution p.Asn373Tyr. To our knowledge, this variant has not been reported in the literature. This variant is reported in 0.031% of alleles in individuals of African descent in gnomAD. At this time, the clinical significance of this variant is uncertain due to the absence of conclusive functional and genetic evidence.

Labcorp Genetics (formerly Invitae), Labcorp
Classification: Uncertain significance. Last evaluated: 2025-05-11. Review status: criteria provided, single submitter. Criteria: Invitae Variant Classification Sherloc (09022015). Collection method: clinical testing. Allele origin: germline.
Comment: This sequence change replaces asparagine, which is neutral and polar, with tyrosine, which is neutral and polar, at codon 373 of the THBD protein (p.Asn373Tyr). This variant is present in population databases (rs149399493, gnomAD 0.03%). This variant has not been reported in the literature in individuals affected with THBD-related conditions. ClinVar contains an entry for this variant (Variation ID: 1163747). Invitae Evidence Modeling of protein sequence and biophysical properties (such as structural, functional, and spatial information, amino acid conservation, physicochemical variation, residue mobility, and thermodynamic stability) has been performed for this missense variant. However, the output from this modeling did not meet the statistical confidence thresholds required to predict the impact of this variant on THBD protein function. In summary, the available evidence is currently insufficient to determine the role of this variant in disease. Therefore, it has been classified as a Variant of Uncertain Significance.

Mayo Clinic Laboratories, Mayo Clinic
Classification: Uncertain significance. Last evaluated: 2019-07-22. Review status: criteria provided, single submitter. Criteria: ACMG Guidelines, 2015. Collection method: clinical testing. Allele origin: germline. Observed: 1 variant allele.